The following is an entry in ClinVar:

ClinVar aggregate classification (germline): Uncertain significance (1 of 4 stars; one submission).

Allele frequency attached by ClinVar (database versions not stated): gnomAD exomes below 0.00001; ExAC 0.00001; gnomAD 0.00001; TOPMed 0.00001.
gnomAD v4.1: 5 of 1,613,836 alleles (0.00031%); highest among the groups gnomAD compares: Admixed American, 0.0033%; no homozygotes.

Submission:

Ambry Genetics
Classification: Uncertain significance. Last evaluated: 2023-08-31. Review status: criteria provided, single submitter. Criteria: Ambry Variant Classification Scheme 2023. Collection method: clinical testing. Allele origin: germline.
Comment: The p.D286N variant (also known as c.856G>A), located in coding exon 6 of the POLQ gene, results from a G to A substitution at nucleotide position 856. The aspartic acid at codon 286 is replaced by asparagine, an amino acid with highly similar properties. This amino acid position is conserved. In addition, this alteration is predicted to be tolerated by in silico analysis. Since supporting evidence is limited at this time, the clinical significance of this alteration remains unclear.

NM_199420.4(POLQ):c.856G>A (p.Asp286Asn)

Gene: POLQ (DNA polymerase theta; minus strand). Cytogenetic location: 3q13.33.
Variant type: single nucleotide variant.
Coding change: c.856G>A on transcript NM_199420.4 (MANE Select); coding-DNA position 856, G replaced by A.
Protein change: p.Asp286Asn; replaces aspartic acid 286 with asparagine.
Molecular consequence: missense variant.
Genome position (GRCh38, 1-based): chr3:121,533,094, C>T on the plus strand (G>A on the coding strand, the complement: POLQ is on the minus strand). VCF-style: chr3-121533094-C-T. GRCh37 (hg19) VCF-style: chr3-121251941-C-T.
Other names: short protein forms D286N.
Identifiers: ClinVar variation 1763887 (VCV001763887.3), dbSNP rs746449394, ClinGen allele CA2563708.
Genomic context (GRCh38, chr3:121,533,094, plus strand): 5'-AAGAGTCATATATGGAATTTCCAACTTTTACTGACTCCAAAAGCGGTACAGGGCGAAAGT[C>T]GGTATGGTAGAGTTCAGCATTCAACCAGGAAGCCACAAGCTCCAAATTAGGAAGGGTAGC-3'
Protein context (NP_955452.3, residues 276-296): SWLNAELYHT[Asp286Asn]FRPVPLLESV